The following is an entry in ClinVar:

NM_000138.5(FBN1):c.1668G>C (p.Val556=)

Gene: FBN1 (fibrillin 1; minus strand). Cytogenetic location: 15q21.1.
Variant type: single nucleotide variant.
Coding change: c.1668G>C on transcript NM_000138.5 (MANE Select); coding-DNA position 1668, G replaced by C.
Protein change: p.Val556=; no amino-acid change (valine 556 retained).
Molecular consequence: synonymous variant.
Genome position (GRCh38, 1-based): chr15:48,510,090, C>G on the plus strand (G>C on the coding strand, the complement: FBN1 is on the minus strand). VCF-style: chr15-48510090-C-G. GRCh37 (hg19) VCF-style: chr15-48802287-C-G.
Other names: c.1668G>C, p.Val556= (NM_001406716.1).
Identifiers: ClinVar variation 3386847 (VCV003386847.1).

ClinVar aggregate classification (germline): Likely benign (1 of 4 stars; one submission).

Conditions:
Marfan syndrome (MFS). Also called: MARFAN SYNDROME, TYPE I; Marfan syndrome type 1; Marfan's syndrome; FBN1-Related Marfan Syndrome; Marfan syndrome, classic. Identifiers: Orphanet 284963, Orphanet 558, MedGen C0024796, MONDO:0007947, OMIM 154700.

Submission:

All of Us Research Program, National Institutes of Health
Classification: Likely benign for Marfan syndrome. Last evaluated: 2024-04-16. Review status: criteria provided, single submitter. Criteria: ACMG Guidelines, 2015. Collection method: clinical testing. Allele origin: germline. Inheritance: Autosomal dominant inheritance. Observed: 1 variant allele, 1 heterozygote.
Comment: This study involves interpretation of variants in research participants for the purpose of population health screening. Participant phenotype was not available at the time of variant classification. Additional details can be found in publication PMID: 35346344, PMCID: PMC8962531